The following is an entry in ClinVar:

NM_001099922.3(ALG13):c.3335A>T (p.His1112Leu)

Gene: ALG13 (ALG13 UDP-N-acetylglucosaminyltransferase subunit; plus strand). Cytogenetic location: Xq23.
Variant type: single nucleotide variant.
Coding change: c.3335A>T on transcript NM_001099922.3 (MANE Select); coding-DNA position 3335, A replaced by T.
Protein change: p.His1112Leu; replaces histidine 1112 with leucine.
Molecular consequence: missense variant. On other transcripts: non-coding transcript variant (1).
Genome position (GRCh38, 1-based): chrX:111,759,920, A>T. VCF-style: chrX-111759920-A-T. GRCh37 (hg19) VCF-style: chrX-111003148-A-T.
Other names: c.2786A>T, p.His929Leu (NM_001257230.2, NM_001257234.2, NM_001257237.2); c.3101A>T, p.His1034Leu (NM_001257231.2); c.3098A>T, p.His1033Leu (NM_001324292.2); c.2612A>T, p.His871Leu (NM_001324293.1); short protein forms H1033L, H1034L, H1112L, H871L, H929L.
Identifiers: ClinVar variation 4778745 (VCV004778745.3).

ClinVar aggregate classification (germline): Uncertain significance. Review status: criteria provided, multiple submitters, no conflicts (2 of 4 stars). 2 submissions from 2 submitters: Uncertain significance (2). Last evaluated 2025-02-06.

Conditions:
Developmental and epileptic encephalopathy, 36 (DEE36). Also called: Epileptic encephalopathy, early infantile, 36; Congenital disorder of glycosylation, type Is; ALG13-CDG. Identifiers: Orphanet 324422, MedGen C4317295, MONDO:0010472, OMIM 300884.

Submissions (2):

Labcorp Genetics (formerly Invitae), Labcorp
Classification: Uncertain significance for Developmental and epileptic encephalopathy, 36. Last evaluated: 2025-02-06. Review status: criteria provided, single submitter. Criteria: Invitae Variant Classification Sherloc (09022015). Collection method: clinical testing. Allele origin: germline.
Comment: This sequence change replaces histidine, which is basic and polar, with leucine, which is neutral and non-polar, at codon 1112 of the ALG13 protein (p.His1112Leu). This variant is not present in population databases (gnomAD no frequency). This variant has not been reported in the literature in individuals affected with ALG13-related conditions. Invitae Evidence Modeling of protein sequence and biophysical properties (such as structural, functional, and spatial information, amino acid conservation, physicochemical variation, residue mobility, and thermodynamic stability) indicates that this missense variant is not expected to disrupt ALG13 protein function with a negative predictive value of 95%. In summary, the available evidence is currently insufficient to determine the role of this variant in disease. Therefore, it has been classified as a Variant of Uncertain Significance.

Dasa
Classification: Uncertain significance. Last evaluated: 2024-10-02. Review status: criteria provided, single submitter. Criteria: DASA Assertion Criteria. Collection method: clinical testing. Allele origin: germline.
Comment: NM_001099922.3(ALG13):c.3335A>T (p.His1112Leu) is a missense variant that results in the substitution of histidine with leucine. This variant is absent from population databases. Computational prediction algorithms are consistent with a benign effect. The currently available literature and clinical evidence are not sufficient to establish a definitive association between this variant and the reported condition. Therefore, this variant is classified as a variant of uncertain significance.